The following is an entry in ClinVar:

NM_001303052.2(MYT1L):c.1512C>T (p.Ser504=)

Gene: MYT1L (myelin transcription factor 1 like; minus strand). Cytogenetic location: 2p25.3.
Variant type: single nucleotide variant.
Coding change: c.1512C>T on transcript NM_001303052.2 (MANE Select); coding-DNA position 1512, C replaced by T.
Protein change: p.Ser504=; no amino-acid change (serine 504 retained).
Molecular consequence: synonymous variant.
Genome position (GRCh38, 1-based): chr2:1,917,311, G>A on the plus strand (C>T on the coding strand, the complement: MYT1L is on the minus strand). VCF-style: chr2-1917311-G-A. GRCh37 (hg19) VCF-style: chr2-1921083-G-A.
Other names: c.1512C>T, p.Ser504= (NM_001329844.2, NM_001329845.1, NM_001329851.3); c.1506C>T, p.Ser502= (NM_001329846.3, NM_001329847.2, NM_001329848.1 and 3 more transcripts); c.1512C>T (NM_001303052.1).
Identifiers: ClinVar variation 718931 (VCV000718931.30), dbSNP rs148988262, ClinGen allele CA1514219.

ClinVar aggregate classification (germline): Benign/Likely benign. Review status: criteria provided, multiple submitters, no conflicts (2 of 4 stars). 4 submissions from 4 submitters: Benign (2); Likely benign (1). 1 of the submissions does not count toward it. Last evaluated 2026-09-01.

Conditions:
MYT1L-related disorder. Also called: MYT1L-related condition.

Allele frequency attached by ClinVar (database versions not stated): 1000 Genomes Project 0.00040; TOPMed 0.00121; gnomAD exomes 0.00146 and 0.00096; 1000 Genomes Project 30x 0.00047; gnomAD 0.00102 and 0.00107; ESP Exome Variant Server 0.00115; ExAC 0.00117.
gnomAD v4.1: 2,282 of 1,612,832 alleles (0.14%); highest among the groups gnomAD compares: Non-Finnish European, 0.18%; 2 homozygotes.

Submissions (4):

CeGaT Center for Human Genetics Tuebingen
Classification: Likely benign. Last evaluated: 2026-09-01. Review status: criteria provided, single submitter. Criteria: CeGaT Center For Human Genetics Tuebingen Variant Classification Criteria Version 2. Collection method: clinical testing. Allele origin: germline. Affected: yes. Observed: 15 variant alleles.
Comment: MYT1L: BP4, BS1

Labcorp Genetics (formerly Invitae), Labcorp
Classification: Benign. Last evaluated: 2019-12-31. Review status: criteria provided, single submitter. Criteria: Invitae Variant Classification Sherloc (09022015). Collection method: clinical testing. Allele origin: germline.

GeneDx
Classification: Benign. Last evaluated: 2019-09-13. Review status: criteria provided, single submitter. Criteria: GeneDx Variant Classification Process June 2021. Collection method: clinical testing. Allele origin: germline. Affected: yes.

PreventionGenetics, part of Exact Sciences
Classification: Likely benign for MYT1L-related condition. Last evaluated: 2024-04-17. Review status: no assertion criteria provided. Collection method: clinical testing. Allele origin: germline. Not counted in ClinVar's aggregate classification.
Comment: This variant is classified as likely benign based on ACMG/AMP sequence variant interpretation guidelines (Richards et al. 2015 PMID: 25741868, with internal and published modifications).